The following is an entry in ClinVar:

ClinVar aggregate classification (germline): Uncertain significance (1 of 4 stars; one submission).

Conditions:
Inborn genetic diseases. Identifiers: MedGen C0950123, MeSH D030342.

Submission:

Ambry Genetics
Classification: Uncertain significance for Inborn genetic diseases. Last evaluated: 2022-04-05. Review status: criteria provided, single submitter. Criteria: Ambry Variant Classification Scheme 2023. Collection method: clinical testing. Allele origin: germline.
Comment: The p.G304V variant (also known as c.911G>T), located in coding exon 9 of the MDH2 gene, results from a G to T substitution at nucleotide position 911. The glycine at codon 304 is replaced by valine, an amino acid with dissimilar properties. This amino acid position is conserved. In addition, this alteration is predicted to be deleterious by in silico analysis. Since supporting evidence is limited at this time, the clinical significance of this alteration remains unclear.

NM_005918.4(MDH2):c.911G>T (p.Gly304Val)

Gene: MDH2 (malate dehydrogenase 2; plus strand). Cytogenetic location: 7q11.23.
Variant type: single nucleotide variant.
Coding change: c.911G>T on transcript NM_005918.4 (MANE Select); coding-DNA position 911, G replaced by T.
Protein change: p.Gly304Val; replaces glycine 304 with valine.
Molecular consequence: missense variant.
Genome position (GRCh38, 1-based): chr7:76,066,304, G>T. VCF-style: chr7-76066304-G-T. GRCh37 (hg19) VCF-style: chr7-75695622-G-T.
Other names: c.785G>T, p.Gly262Val (NM_001282403.2); c.590G>T, p.Gly197Val (NM_001282404.2); short protein forms G304V, G197V, G262V.
Identifiers: ClinVar variation 1765877 (VCV001765877.2), dbSNP rs2535875585, ClinGen allele CA367769722.